The following is an entry in ClinVar:

ClinVar aggregate classification (germline): Conflicting classifications of pathogenicity. Review status: criteria provided, conflicting classifications (1 of 4 stars). 15 submissions from 15 submitters: Uncertain significance (1); Benign (4); Likely benign (9). 1 of the submissions does not count toward it. Last evaluated 2026-01-27.

Conditions:
DSP-related disorder. Also called: DSP-related condition; DSP-related disorders.
Cardiovascular phenotype. Identifiers: MedGen CN230736.
Arrhythmogenic right ventricular dysplasia 8 (ARVD8). Also called: ARRHYTHMOGENIC RIGHT VENTRICULAR DYSPLASIA, FAMILIAL, 8; ARRHYTHMOGENIC RIGHT VENTRICULAR CARDIOMYOPATHY 8; Arrhythmogenic Right Ventricular Dysplasia/Cardiomyopathy 8. Identifiers: MedGen C1843896, MONDO:0011831, OMIM 607450.
Arrhythmogenic cardiomyopathy with wooly hair and keratoderma. Also called: Dilated cardiomyopathy with woolly hair and keratoderma; Arrhythmogenic cardiomyopathy with woolly hair and keratoderma; PALMOPLANTAR KERATODERMA WITH LEFT VENTRICULAR CARDIOMYOPATHY AND WOOLLY HAIR; Carvajal syndrome. Identifiers: Orphanet 65282, MedGen C1854063, MONDO:0011581, OMIM 605676.
Cardiomyopathy (CMYO). Also called: Cardiomyopathies. Identifiers: Orphanet 167848, MedGen C0878544, MONDO:0004994, HP:0001638. Inheritance: Various modes of inheritance.
Arrhythmogenic right ventricular cardiomyopathy (ARVD). Also called: Arrhythmogenic cardiomyopathy; Arrhythmogenic Right Ventricular Cardiomyopathy (ARVC); Cardiomyopathy, ARVC; Arrhythmogenic right ventricular dysplasia. Identifiers: Orphanet 247, MedGen C0349788, MeSH D019571, MONDO:0016587. Disease mechanism: loss of function. Inheritance: Various modes of inheritance.
Restrictive cardiomyopathy. Identifiers: Orphanet 217632, MedGen C0007196, MeSH D002313, MONDO:0005201, HP:0001723.

Allele frequency attached by ClinVar (database versions not stated): gnomAD exomes 0.00014 and 0.00032; ExAC 0.00035; 1000 Genomes Project 30x 0.00156; 1000 Genomes Project 0.00160; ESP Exome Variant Server 0.00161; gnomAD 0.00164 and 0.00178; TOPMed 0.00187.
gnomAD v4.1: 466 of 1,613,952 alleles (0.029%); highest among the groups gnomAD compares: African/African-American, 0.54%; no homozygotes.

Submissions (15):

Labcorp Genetics (formerly Invitae), Labcorp
Classification: Likely benign for Arrhythmogenic cardiomyopathy with wooly hair and keratoderma; Arrhythmogenic right ventricular dysplasia 8. Last evaluated: 2026-01-27. Review status: criteria provided, single submitter. Criteria: Invitae Variant Classification Sherloc (09022015). Collection method: clinical testing. Allele origin: germline.

Mayo Clinic Laboratories, Mayo Clinic
Classification: Likely benign. Last evaluated: 2025-10-22. Review status: criteria provided, single submitter. Criteria: ACMG Guidelines, 2015. Collection method: clinical testing. Allele origin: germline. Observed: 2 variant alleles.
Comment: BS1

Molecular Diagnostic Laboratory for Inherited Cardiovascular Disease, Montreal Heart Institute
Classification: Likely benign. Last evaluated: 2025-02-17. Review status: criteria provided, single submitter. Criteria: ACMG Guidelines, 2015. Collection method: clinical testing. Allele origin: germline. Affected: no.

Blueprint Genetics
Classification: Likely benign. Last evaluated: 2024-11-14. Review status: criteria provided, single submitter. Criteria: ACMG Guidelines, 2015. Collection method: clinical testing. Allele origin: germline.

ARUP Laboratories, Molecular Genetics and Genomics, ARUP Laboratories
Classification: Likely benign. Last evaluated: 2024-10-07. Review status: criteria provided, single submitter. Criteria: ARUP Molecular Germline Variant Investigation Process 2024. Collection method: clinical testing. Allele origin: germline.

CHEO Genetics Diagnostic Laboratory, Children's Hospital of Eastern Ontario
Classification: Benign for Cardiomyopathy. Last evaluated: 2023-01-27. Review status: criteria provided, single submitter. Criteria: ACMG Guidelines, 2015. Collection method: clinical testing. Allele origin: germline. Study: Canadian Open Genetics Repository.

Women's Health and Genetics/Laboratory Corporation of America, LabCorp
Classification: Benign. Last evaluated: 2019-12-09. Review status: criteria provided, single submitter. Criteria: LabCorp Variant Classification Summary - May 2015. Collection method: clinical testing. Allele origin: germline.
Comment: Variant summary: DSP c.4489C>T (p.Arg1497Trp) results in a non-conservative amino acid change in the encoded protein sequence. Three of five in-silico tools predict a damaging effect of the variant on protein function. The variant allele was found at a frequency of 0.00033 in 250336 control chromosomes, predominantly at a frequency of 0.0047 within the African or African-American subpopulation in the gnomAD database. The observed variant frequency within African or African-American control individuals in the gnomAD database is approximately 24-folds over the estimated maximal expected allele frequency for a pathogenic variant in DSP causing Arrhythmogenic Right Ventricular Dysplasia/Cardiomyopathy phenotype (0.0002), strongly suggesting that the variant is a benign polymorphism found primarily in populations of African or African-American origin. Six ClinVar submissions (evaluation after 2014) cites the variant five times as likely benign and once as uncertain significance. Based on the evidence outlined above, the variant was classified as benign.

Ambry Genetics
Classification: Likely benign for Cardiovascular phenotype. Last evaluated: 2018-10-04. Review status: criteria provided, single submitter. Criteria: Ambry General Variant Classification Scheme_2022. Collection method: clinical testing. Allele origin: germline. Observed: 1 variant allele.

Center for Advanced Laboratory Medicine, UC San Diego Health, University of California San Diego
Classification: Likely benign for Restrictive cardiomyopathy. Last evaluated: 2018-08-13. Review status: criteria provided, single submitter. Criteria: ACMG Guidelines, 2015. Collection method: clinical testing. Allele origin: germline. Affected: yes. Observed: 1 variant allele.

Color Diagnostics, LLC DBA Color Health
Classification: Benign for Cardiomyopathy. Last evaluated: 2018-07-03. Review status: criteria provided, single submitter. Criteria: ACMG Guidelines, 2015. Collection method: clinical testing. Allele origin: germline.

Eurofins Ntd Llc (ga)
Classification: Likely benign. Last evaluated: 2015-08-10. Review status: criteria provided, single submitter. Criteria: EGL Classification Definitions 2015. Collection method: clinical testing. Allele origin: germline. Observed: 1 variant allele, 1 heterozygote.

Genomic Diagnostic Laboratory, Division of Genomic Diagnostics, Children's Hospital of Philadelphia
Classification: Uncertain significance for Arrhythmogenic right ventricular cardiomyopathy. Last evaluated: 2015-06-08. Review status: criteria provided, single submitter. Criteria: DGD Variant Analysis Guidelines. Collection method: clinical testing. Allele origin: unknown.

GeneDx
Classification: Benign. Last evaluated: 2014-04-25. Review status: criteria provided, single submitter. Criteria: GeneDx Variant Classification (06012015). Collection method: clinical testing. Allele origin: germline. Affected: yes.
Comment: This variant is considered likely benign or benign based on one or more of the following criteria: it is a conservative change, it occurs at a poorly conserved position in the protein, it is predicted to be benign by multiple in silico algorithms, and/or has population frequency not consistent with disease.

Laboratory for Molecular Medicine, Mass General Brigham Personalized Medicine
Classification: Likely benign. Last evaluated: 2012-02-09. Review status: criteria provided, single submitter. Criteria: LMM Criteria. Collection method: clinical testing. Allele origin: germline. Observed: 2 variant alleles.
Comment: Arg1497Trp in exon 23 of DSP: This variant is not expected to have clinical sign ificance because it has been identified in 0.4% (17/3738) of African American ch romosomes by the NHLBI Exome Sequencing Project in a broad population (s.; dbSNP rs148041814). Arg1497Trp in exon 23 of DSP (rs14 8041814; allele frequency = 0.4%, 17/3738) **

PreventionGenetics, part of Exact Sciences
Classification: Likely benign for DSP-related condition. Last evaluated: 2023-10-19. Review status: no assertion criteria provided. Collection method: clinical testing. Allele origin: germline. Not counted in ClinVar's aggregate classification.
Comment: This variant is classified as likely benign based on ACMG/AMP sequence variant interpretation guidelines (Richards et al. 2015 PMID: 25741868, with internal and published modifications).

Literature cited by the submitters: PubMed 31983221 (cited by Mayo Clinic Laboratories, Mayo Clinic); PubMed 37652022 (cited by Mayo Clinic Laboratories, Mayo Clinic); PubMed 21636032 (cited by Women's Health and Genetics/Laboratory Corporation of America, LabCorp and Eurofins Ntd Llc (ga)); PubMed 16628197 (cited by Laboratory for Molecular Medicine, Mass General Brigham Personalized Medicine); PubMed 11063735 (cited by Laboratory for Molecular Medicine, Mass General Brigham Personalized Medicine).

NM_004415.4(DSP):c.4489C>T (p.Arg1497Trp)

Gene: DSP (desmoplakin; plus strand). Cytogenetic location: 6p24.3.
Variant type: single nucleotide variant.
Coding change: c.4489C>T on transcript NM_004415.4 (MANE Select); coding-DNA position 4489, C replaced by T.
Protein change: p.Arg1497Trp; replaces arginine 1497 with tryptophan.
Molecular consequence: missense variant. On other transcripts: intron variant (2).
Genome position (GRCh38, 1-based): chr6:7,580,679, C>T. VCF-style: chr6-7580679-C-T. GRCh37 (hg19) VCF-style: chr6-7580912-C-T.
Other names: p.R1497W:CGG>TGG; c.4050+439C>T (NM_001319034.2); c.3582+907C>T (NM_001008844.3); short protein forms R1497W.
Identifiers: ClinVar variation 44910 (VCV000044910.43), dbSNP rs148041814, ClinGen allele CA004497.
Genomic context (GRCh38, chr6:7,580,679, plus strand): 5'-CAGGATAAAAACAAGGAGATAGAAAGGTTAAAACAACTGATCGACAAAGAAACAAATGAC[C>T]GGAAATGCCTGGAAGATGAAAACGCGAGATTACAAAGGGTCCAGTATGACCTGCAGAAAG-3'
Protein context (NP_004406.2, residues 1487-1507): KQLIDKETND[Arg1497Trp]KCLEDENARL